The following is an entry in ClinVar:

NM_001042432.2(CLN3):c.143A>G (p.Asn48Ser)

Gene: CLN3 (CLN3 lysosomal/endosomal transmembrane protein, battenin; minus strand). Cytogenetic location: 16p12.1.
Variant type: single nucleotide variant.
Coding change: c.143A>G on transcript NM_001042432.2 (MANE Select); coding-DNA position 143, A replaced by G.
Protein change: p.Asn48Ser; replaces asparagine 48 with serine.
Molecular consequence: missense variant. On other transcripts: 5 prime UTR variant (3).
Genome position (GRCh38, 1-based): chr16:28,489,369, T>C on the plus strand (A>G on the coding strand, the complement: CLN3 is on the minus strand). VCF-style: chr16-28489369-T-C. GRCh37 (hg19) VCF-style: chr16-28500690-T-C.
Other names: c.143A>G, p.Asn48Ser (NM_000086.2, NM_001286104.2); c.-78A>G (NM_001286105.2); c.-20A>G (NM_001286109.2, NM_001286110.2); short protein forms N48S.
Identifiers: ClinVar variation 1940220 (VCV001940220.5), dbSNP rs2506508693, ClinGen allele CA395346550.

ClinVar aggregate classification (germline): Uncertain significance (1 of 4 stars; one submission).

Conditions:
Neuronal ceroid lipofuscinosis. Also called: Neuronal Ceroid Lipofuscinoses. Identifiers: Orphanet 216, Orphanet 79263, MedGen C0027877, MONDO:0016295. Disease mechanism: loss of function.

Submission:

Labcorp Genetics (formerly Invitae), Labcorp
Classification: Uncertain significance for Neuronal ceroid lipofuscinosis. Last evaluated: 2023-07-17. Review status: criteria provided, single submitter. Criteria: Invitae Variant Classification Sherloc (09022015). Collection method: clinical testing. Allele origin: germline.
Comment: In summary, the available evidence is currently insufficient to determine the role of this variant in disease. Therefore, it has been classified as a Variant of Uncertain Significance. Advanced modeling of protein sequence and biophysical properties (such as structural, functional, and spatial information, amino acid conservation, physicochemical variation, residue mobility, and thermodynamic stability) has been performed at Invitae for this missense variant, however the output from this modeling did not meet the statistical confidence thresholds required to predict the impact of this variant on CLN3 protein function. ClinVar contains an entry for this variant (Variation ID: 1940220). This variant has not been reported in the literature in individuals affected with CLN3-related conditions. This variant is not present in population databases (gnomAD no frequency). This sequence change replaces asparagine, which is neutral and polar, with serine, which is neutral and polar, at codon 48 of the CLN3 protein (p.Asn48Ser).